The following is an entry in ClinVar:

ClinVar aggregate classification (germline): Uncertain significance (1 of 4 stars; one submission).

Conditions:
Perlman syndrome (PRLMNS). Identifiers: Orphanet 2849, MedGen C0796113, MONDO:0009965, OMIM 267000.

Allele frequency attached by ClinVar (database versions not stated): gnomAD exomes below 0.00001.

Submission:

Labcorp Genetics (formerly Invitae), Labcorp
Classification: Uncertain significance for Perlman syndrome. Last evaluated: 2025-02-19. Review status: criteria provided, single submitter. Criteria: Invitae Variant Classification Sherloc (09022015). Collection method: clinical testing. Allele origin: germline.
Comment: This sequence change replaces glycine, which is neutral and non-polar, with serine, which is neutral and polar, at codon 547 of the DIS3L2 protein (p.Gly547Ser). This variant is present in population databases (no rsID available, gnomAD 0.0009%). This variant has not been reported in the literature in individuals affected with DIS3L2-related conditions. ClinVar contains an entry for this variant (Variation ID: 948443). Invitae Evidence Modeling of protein sequence and biophysical properties (such as structural, functional, and spatial information, amino acid conservation, physicochemical variation, residue mobility, and thermodynamic stability) has been performed for this missense variant. However, the output from this modeling did not meet the statistical confidence thresholds required to predict the impact of this variant on DIS3L2 protein function. In summary, the available evidence is currently insufficient to determine the role of this variant in disease. Therefore, it has been classified as a Variant of Uncertain Significance.

NM_152383.5(DIS3L2):c.1639G>A (p.Gly547Ser)

Gene: DIS3L2 (DIS3 like 3'-5' exoribonuclease 2; plus strand). Cytogenetic location: 2q37.1.
Variant type: single nucleotide variant.
Coding change: c.1639G>A on transcript NM_152383.5 (MANE Select); coding-DNA position 1639, G replaced by A.
Protein change: p.Gly547Ser; replaces glycine 547 with serine.
Molecular consequence: missense variant. On other transcripts: non-coding transcript variant (2), intron variant (1).
Genome position (GRCh38, 1-based): chr2:232,263,420, G>A. VCF-style: chr2-232263420-G-A. GRCh37 (hg19) VCF-style: chr2-233128130-G-A.
Other names: c.1581+58G>A (NM_001257281.2); short protein forms G547S.
Identifiers: ClinVar variation 948443 (VCV000948443.8), dbSNP rs1415136639, ClinGen allele CA350975772.